The following is an entry in ClinVar:

NM_015338.6(ASXL1):c.2423del (p.Pro808fs)

Gene: ASXL1 (ASXL transcriptional regulator 1; plus strand). Cytogenetic location: 20q11.21.
Variant type: Deletion.
Coding change: c.2423del on transcript NM_015338.6 (MANE Select); coding-DNA position 2423, one base deleted (C; older notation c.2423delC).
Protein change: p.Pro808fs; shifts the reading frame from proline 808.
Molecular consequence: frameshift variant.
Genome position (GRCh38, 1-based): chr20:32,435,135, C deleted; the last of 2 consecutive C bases (chr20:32,435,134-32,435,135); deleting either gives the same sequence. VCF-style (leftmost placement, unchanged base first): chr20-32435133-TC-T. GRCh37 (hg19) VCF-style: chr20-31022936-TC-T.
Other names: c.2240del, p.Pro747fs (NM_001363734.1); short protein forms P747fs, P808fs.
Identifiers: ClinVar variation 3682383 (VCV003682383.2).
Genomic context (GRCh38, chr20:32,435,133, plus strand): 5'-TGAATGTGAGTCTGGCACCACTTCCTGGGAAAGTGATGATGAGGAGCAAGGACCCACCGT[TC>T]CTGCAGACAATGGTCCCATTCCGTCTCTAGTGGGAGATGATACATTAGAGAAAGGAACTG-3'

ClinVar aggregate classification (germline): Pathogenic (1 of 4 stars; one submission).

Submission:

Labcorp Genetics (formerly Invitae), Labcorp
Classification: Pathogenic. Last evaluated: 2024-06-19. Review status: criteria provided, single submitter. Criteria: Invitae Variant Classification Sherloc (09022015). Collection method: clinical testing. Allele origin: germline.
Comment: This sequence change creates a premature translational stop signal (p.Pro808Leufs*10) in the ASXL1 gene. While this is not anticipated to result in nonsense mediated decay, it is expected to disrupt the last 734 amino acid(s) of the ASXL1 protein. The frequency data for this variant in the population databases is considered unreliable, as metrics indicate poor data quality at this position in the gnomAD database. This variant has not been reported in the literature in individuals affected with ASXL1-related conditions. This variant disrupts a region of the ASXL1 protein in which other variant(s) (p.Glu1400*) have been determined to be pathogenic (PMID: 31969346). This suggests that this is a clinically significant region of the protein, and that variants that disrupt it are likely to be disease-causing. For these reasons, this variant has been classified as Pathogenic.

Literature cited by the submitters: PubMed 31969346.